The following is an entry in ClinVar:

NM_000540.3(RYR1):c.10180G>C (p.Val3394Leu)

Gene: RYR1 (ryanodine receptor 1; plus strand). Cytogenetic location: 19q13.2.
Variant type: single nucleotide variant.
Coding change: c.10180G>C on transcript NM_000540.3 (MANE Select); coding-DNA position 10180, G replaced by C.
Protein change: p.Val3394Leu; replaces valine 3394 with leucine.
Molecular consequence: missense variant.
Genome position (GRCh38, 1-based): chr19:38,519,375, G>C. VCF-style: chr19-38519375-G-C. GRCh37 (hg19) VCF-style: chr19-39010015-G-C.
Other names: c.10180G>C, p.Val3394Leu (NM_001042723.2); short protein forms V3394L.
Identifiers: ClinVar variation 3069472 (VCV003069472.1), dbSNP rs1600898457, ClinGen allele CA405696203.

ClinVar aggregate classification (germline): Uncertain significance (1 of 4 stars; one submission).

Conditions:
Malignant hyperthermia, susceptibility to, 1 (MHS1). Also called: RYR1-Related Malignant Hyperthermia Susceptibility; Anesthesia related hyperthermia; Malignant hyperpyrexia; Fulminating hyperpyrexia; Pharmacogenic myopathy; Malignant hyperthermia suceptibility 1. Identifiers: Orphanet 423, MedGen C2930980, MONDO:0007783, OMIM 145600.

Submission:

All of Us Research Program, National Institutes of Health
Classification: Uncertain significance for Malignant hyperthermia, susceptibility to, 1. Last evaluated: 2023-03-04. Review status: criteria provided, single submitter. Criteria: ACMG Guidelines, 2015. Collection method: clinical testing. Allele origin: germline. Inheritance: Autosomal dominant inheritance. Observed: 1 variant allele, 1 heterozygote.
Comment: This study involves interpretation of variants in research participants for the purpose of population health screening. Participant phenotype was not available at the time of variant classification. Additional details can be found in publication PMID: 35346344, PMCID: PMC8962531